The following is an entry in ClinVar:

NM_000059.4(BRCA2):c.9236T>A (p.Val3079Asp)

Gene: BRCA2 (BRCA2 DNA repair associated; plus strand). Cytogenetic location: 13q13.1.
Variant type: single nucleotide variant.
Coding change: c.9236T>A on transcript NM_000059.4 (MANE Select); coding-DNA position 9236, T replaced by A.
Protein change: p.Val3079Asp; replaces valine 3079 with aspartic acid.
Molecular consequence: missense variant. On other transcripts: non-coding transcript variant (1).
Genome position (GRCh38, 1-based): chr13:32,380,125, T>A. VCF-style: chr13-32380125-T-A. GRCh37 (hg19) VCF-style: chr13-32954262-T-A.
Other names: c.9140T>A, p.Val3047Asp (NM_001406719.1); c.9185T>A, p.Val3062Asp (NM_001406720.1); c.4304T>A, p.Val1435Asp (NM_001406721.1); c.2819T>A, p.Val940Asp (NM_001406722.1); c.9236T>A, p.Val3079Asp (NM_001432077.1); short protein forms V1435D, V3047D, V3062D, V3079D, V940D.
Identifiers: ClinVar variation 4688044 (VCV004688044.1).

ClinVar aggregate classification (germline): Uncertain significance (1 of 4 stars; one submission).

Conditions:
Inherited breast cancer and ovarian cancer.

Submission:

Genetics Laboratory, Great Ormond Street Hospital NHS Foundation Trust, North Thames Genomic Laboratory Hub
Classification: Uncertain significance for Inherited breast cancer and ovarian cancer. Last evaluated: 2025-12-01. Review status: criteria provided, single submitter. Criteria: CanVIG BRCA Gene Specific V1.22. Collection method: clinical testing. Allele origin: germline. Affected: yes.
Comment: PM2_moderate, PP3_supporting, PM1_supporting